The following is an entry in ClinVar:

NM_001142864.4(PIEZO1):c.6307C>G (p.Leu2103Val)

Gene: PIEZO1 (piezo type mechanosensitive ion channel component 1 (Er blood group); minus strand). Cytogenetic location: 16q24.3.
Variant type: single nucleotide variant.
Coding change: c.6307C>G on transcript NM_001142864.4 (MANE Select); coding-DNA position 6307, C replaced by G.
Protein change: p.Leu2103Val; replaces leucine 2103 with valine.
Molecular consequence: missense variant.
Genome position (GRCh38, 1-based): chr16:88,719,818, G>C on the plus strand (C>G on the coding strand, the complement: PIEZO1 is on the minus strand). VCF-style: chr16-88719818-G-C. GRCh37 (hg19) VCF-style: chr16-88786226-G-C.
Other names: p.Leu2103Val; c.6307C>G (NM_001142864.3); short protein forms L2103V.
Identifiers: ClinVar variation 808138 (VCV000808138.52), dbSNP rs531972155, ClinGen allele CA8231660.

ClinVar aggregate classification (germline): Conflicting classifications of pathogenicity. Review status: criteria provided, conflicting classifications (1 of 4 stars). 7 submissions from 7 submitters: Likely pathogenic (1); Uncertain significance (3); Benign (1); Likely benign (1). 1 of the submissions does not count toward it. Last evaluated 2025-03-07.

Conditions:
PIEZO1-related disorder. Also called: PIEZO1-related condition; PIEZO1-Related Disorders.
Lymphatic malformation 6 (LMPHM6). Also called: PIEZO1-related generalized lymphatic dysplasia with non-immune hydrops fetalis; GENERALIZED LYMPHATIC DYSPLASIA OF FOTIOU; Lymphedema, hereditary, III. Identifiers: Orphanet 568062, MedGen C4225184, MONDO:0014797, OMIM 616843.
Dehydrated hereditary stomatocytosis with or without pseudohyperkalemia and/or perinatal edema (DHS1). Also called: PSEUDOHYPERKALEMIA EDINBURGH; DEHYDRATED HEREDITARY STOMATOCYTOSIS AND PSEUDOHYPERKALEMIA; DEHYDRATED HEREDITARY STOMATOCYTOSIS WITH PSEUDOHYPERKALEMIA AND PERINATAL EDEMA; Pseudohyperkalemia, familial, 1, due to red cell leak; Dehydrated hereditary stomatocytosis 1 with or without pseudohyperkalemia and/or perinatal edema. Identifiers: Orphanet 3202, MedGen C4551512, MONDO:0008689, OMIM 194380.

Allele frequency attached by ClinVar (database versions not stated): gnomAD 0.00038; TOPMed 0.00053; 1000 Genomes Project 30x 0.00094; 1000 Genomes Project 0.00120.
gnomAD v4.1: 130 of 1,550,578 alleles (0.0084%); highest among the groups gnomAD compares: East Asian, 0.3%; 1 homozygote.

Submissions (7):

Clinical Genomics Laboratory, Washington University in St. Louis
Classification: Uncertain significance for Lymphatic malformation 6. Last evaluated: 2025-03-07. Review status: criteria provided, single submitter. Criteria: ACMG Guidelines, 2015. Collection method: clinical testing. Allele origin: germline.
Comment: A PIEZO1 c.6307C>G (p.Leu2103Val) variant was identified at a near heterozygous allelic fraction of 49.1%, a frequency which may be consistent with it being of germline origin. This variant, to our knowledge, has not been reported in the medical literature. The highest population minor allele frequency in the population database genome aggregation database (v.4.1.0) is 0.3% in the East Asian population. Computational predictors are uncertain as to the impact of this variant on PIEZO1 function. Due to limited information, and based on ACMG/AMP guidelines for variant interpretation (Richards S et al., PMID: 25741868), the clinical significance of this variant is uncertain at this time.

Innovation Center for Diagnostics and Treatment of Thalassemia, Nanfang Hospital, Southern Medical University
Classification: Likely pathogenic for Dehydrated hereditary stomatocytosis with or without pseudohyperkalemia and/or perinatal edema. Last evaluated: 2024-10-16. Review status: criteria provided, single submitter. Criteria: ACMG Guidelines, 2015. Collection method: clinical testing. Allele origin: maternal. Inheritance: Autosomal dominant inheritance. Affected: yes. Observed: 1 heterozygote.
Comment: Disruption of PIEZO1 function can lead to Hereditary Xerocytosis. This sequence change replaces leucine with valine at codon 2103 of the PIEZO1 protein (p.Leu2103Val). This variant is a low-frequency mutation in population databases (1000Genomes: 0.00094), and the affected site is highly conserved across multiple species. Both SIFT and PolyPhen predict this to be a potentially pathogenic mutation. Structural modeling of the protein sequence and its biophysical properties suggests that this missense variant is likely to disrupt the function of the PIEZO1 protein. For these reasons, this variant has been classified as likely pathogenic.

Blueprint Genetics
Classification: Likely benign. Last evaluated: 2024-02-29. Review status: criteria provided, single submitter. Criteria: ACMG Guidelines, 2015. Collection method: clinical testing. Allele origin: germline.

Mayo Clinic Laboratories, Mayo Clinic
Classification: Uncertain significance. Last evaluated: 2024-02-20. Review status: criteria provided, single submitter. Criteria: ACMG Guidelines, 2015. Collection method: clinical testing. Allele origin: germline. Observed: 1 variant allele.
Comment: BS2

Labcorp Genetics (formerly Invitae), Labcorp
Classification: Benign. Last evaluated: 2023-02-16. Review status: criteria provided, single submitter. Criteria: Invitae Variant Classification Sherloc (09022015). Collection method: clinical testing. Allele origin: germline.

CeGaT Center for Human Genetics Tuebingen
Classification: Uncertain significance. Last evaluated: 2018-11-01. Review status: criteria provided, single submitter. Criteria: CeGaT Center For Human Genetics Tuebingen Variant Classification Criteria Version 2. Collection method: clinical testing. Allele origin: germline. Affected: yes. Observed: 1 variant allele.

PreventionGenetics, part of Exact Sciences
Classification: Likely benign for PIEZO1-related condition. Last evaluated: 2021-09-13. Review status: no assertion criteria provided. Collection method: clinical testing. Allele origin: germline. Not counted in ClinVar's aggregate classification.
Comment: This variant is classified as likely benign based on ACMG/AMP sequence variant interpretation guidelines (Richards et al. 2015 PMID: 25741868, with internal and published modifications).